The following is an entry in ClinVar:

NM_005618.4(DLL1):c.1929C>T (p.Leu643=)

Gene: DLL1 (delta like canonical Notch ligand 1; minus strand). Cytogenetic location: 6q27.
Variant type: single nucleotide variant.
Coding change: c.1929C>T on transcript NM_005618.4 (MANE Select); coding-DNA position 1929, C replaced by T.
Protein change: p.Leu643=; no amino-acid change (leucine 643 retained).
Molecular consequence: synonymous variant.
Genome position (GRCh38, 1-based): chr6:170,283,350, G>A on the plus strand (C>T on the coding strand, the complement: DLL1 is on the minus strand). VCF-style: chr6-170283350-G-A. GRCh37 (hg19) VCF-style: chr6-170592438-G-A.
Other names: c.1929C>T (NM_005618.3).
Identifiers: ClinVar variation 2732397 (VCV002732397.5), dbSNP rs758149257, ClinGen allele CA4106680.

ClinVar aggregate classification (germline): Likely benign. Review status: criteria provided, single submitter (1 of 4 stars). 2 submissions from 2 submitters: Likely benign (1). 1 of the submissions does not count toward it. Last evaluated 2024-10-22.

Conditions:
DLL1-related disorder. Also called: DLL1-related condition.

Allele frequency attached by ClinVar (database versions not stated): ExAC 0.00001; gnomAD 0.00003; TOPMed 0.00003.
gnomAD v4.1: 53 of 1,612,590 alleles (0.0033%); highest among the groups gnomAD compares: East Asian, 0.018%; 1 homozygote.

Submissions (2):

Labcorp Genetics (formerly Invitae), Labcorp
Classification: Likely benign. Last evaluated: 2024-10-22. Review status: criteria provided, single submitter. Criteria: Invitae Variant Classification Sherloc (09022015). Collection method: clinical testing. Allele origin: germline.

PreventionGenetics, part of Exact Sciences
Classification: Likely benign for DLL1-related condition. Last evaluated: 2022-03-18. Review status: no assertion criteria provided. Collection method: clinical testing. Allele origin: germline. Not counted in ClinVar's aggregate classification.
Comment: This variant is classified as likely benign based on ACMG/AMP sequence variant interpretation guidelines (Richards et al. 2015 PMID: 25741868, with internal and published modifications).